The following is an entry in ClinVar:

ClinVar aggregate classification (germline): Uncertain significance (1 of 4 stars; one submission).

Conditions:
Gastrointestinal stromal tumor. Also called: Gastrointestinal stroma tumor; Gastrointestinal stromal tumor, somatic. Identifiers: Orphanet 44890, MedGen C0238198, MeSH D046152, MONDO:0011719, OMIM 606764, HP:0100723.

Submissions (2):

Labcorp Genetics (formerly Invitae), Labcorp
Classification: Uncertain significance for Gastrointestinal stromal tumor. Last evaluated: 2022-06-22. Review status: criteria provided, single submitter. Criteria: Invitae Variant Classification Sherloc (09022015). Collection method: clinical testing. Allele origin: germline.
Comment: This variant has not been reported in the literature in individuals affected with PDGFRA-related conditions. This sequence change falls in intron 14 of the PDGFRA gene. It does not directly change the encoded amino acid sequence of the PDGFRA protein. This variant is not present in population databases (gnomAD no frequency). Algorithms developed to predict the effect of sequence changes on RNA splicing suggest that this variant may disrupt the consensus splice site. In summary, the available evidence is currently insufficient to determine the role of this variant in disease. Therefore, it has been classified as a Variant of Uncertain Significance.

Dr. Peter K. Rogan Lab, Western University
No classification provided (evidence only). Condition: Ovarian serous cystadenocarcinoma. Review status: no classification provided. Collection method: in vitro. Allele origin: not applicable. Functional consequence: retained intron. Not counted in ClinVar's aggregate classification.

NM_006206.6(PDGFRA):c.2003-18C>A

Gene: PDGFRA (platelet derived growth factor receptor alpha; plus strand). Cytogenetic location: 4q12.
Variant type: single nucleotide variant.
Coding change: c.2003-18C>A on transcript NM_006206.6 (MANE Select); 18 bases into the intron before coding-DNA position 2003, C replaced by A.
Molecular consequence: intron variant.
Genome position (GRCh38, 1-based): chr4:54,278,344, C>A. VCF-style: chr4-54278344-C-A. GRCh37 (hg19) VCF-style: chr4-55144511-C-A.
Other names: c.2078-18C>A (NM_001347828.2); c.2003-18C>A (NM_001347827.2, NM_001347829.2); c.2042-18C>A (NM_001347830.2).
Identifiers: ClinVar variation 1980901 (VCV001980901.5), dbSNP rs200660844, ClinGen allele CA2580071231.
Genomic context (GRCh38, chr4:54,278,344, plus strand): 5'-ATATGGTCTGCAGGACAATTCATGGCTTTTCTGTTCTTCATTTTCATACCCATCTCCTAA[C>A]GGCTTTTGTCCCCATAGGCCCCATTTACATCATCACAGAGTATTGCTTCTATGGAGATTT-3'